The following is an entry in ClinVar:

ClinVar aggregate classification (germline): Likely pathogenic (1 of 4 stars; one submission).

Submission:

Athena Diagnostics
Classification: Likely pathogenic. Last evaluated: 2020-03-23. Review status: criteria provided, single submitter. Criteria: Athena Diagnostics Criteria. Collection method: clinical testing. Allele origin: unknown.
Comment: This duplication causes a shift in the reading frame and is expected to result in the loss of a functional protein. This variant has not been reported in large, multi-ethnic general populations. FOXC2 variants are highly penetrant with variable expressivity, indicating that the clinical presentation can vary among family members with the same variant (PMID: 20301630).This observation is not an independent occurrence and has been identified in the same individual by RCIGM, the other laboratory participating in the GEMINI study.

NM_005251.3(FOXC2):c.443_449dup (p.Asp151fs)

Gene: FOXC2 (forkhead box C2; plus strand). Cytogenetic location: 16q24.1.
Variant type: Microsatellite.
Coding change: c.443_449dup on transcript NM_005251.3 (MANE Select); coding-DNA positions 443 to 449, 7 bases duplicated (TGGACCC; older notation c.443_449dupTGGACCC).
Protein change: p.Asp151fs; shifts the reading frame from aspartic acid 151.
Molecular consequence: frameshift variant.
Genome position (GRCh38, 1-based): chr16:86,567,778-86,567,784, TGGACCC duplicated; duplicating any 7 consecutive bases within chr16:86,567,770-86,567,784 gives the same sequence; the c. name uses the placement nearest the transcript's 3' end. VCF-style (leftmost placement, unchanged base first): chr16-86567769-A-ACTGGACC. GRCh37 (hg19) VCF-style: chr16-86601375-A-ACTGGACC.
Other names: short protein forms D151fs.
Identifiers: ClinVar variation 1809753 (VCV001809753.1), dbSNP rs2507944638, ClinGen allele CA2580613913.